The following is an entry in ClinVar:

NM_014140.4(SMARCAL1):c.1544_1569del (p.Gly515fs)

Gene: SMARCAL1 (SNF2 related chromatin remodeling annealing helicase 1; plus strand). Cytogenetic location: 2q35.
Variant type: Deletion.
Coding change: c.1544_1569del on transcript NM_014140.4 (MANE Select); coding-DNA positions 1544 to 1569, 26 bases deleted (GGAAGGACCGCCTGACAGCTGGCCTG).
Protein change: p.Gly515fs; shifts the reading frame from glycine 515.
Molecular consequence: frameshift variant.
Genome position (GRCh38, 1-based): chr2:216,435,396-216,435,421, GGAAGGACCGCCTGACAGCTGGCCTG deleted; deleting any 26 consecutive bases within chr2:216,435,393-216,435,421 gives the same sequence; the c. name uses the placement nearest the transcript's 3' end. VCF-style (leftmost placement, unchanged base first): chr2-216435392-ACTGGGAAGGACCGCCTGACAGCTGGC-A. GRCh37 (hg19) VCF-style: chr2-217300115-ACTGGGAAGGACCGCCTGACAGCTGGC-A.
Other names: c.1544_1569del, p.Gly515fs (NM_001127207.2); short protein forms G515fs.
Identifiers: ClinVar variation 1068979 (VCV001068979.8), dbSNP rs1694059874, ClinGen allele CA1042324558.

ClinVar aggregate classification (germline): Pathogenic (1 of 4 stars; one submission).

Conditions:
Schimke immuno-osseous dysplasia (SIOD). Also called: Schimke Immunoosseous Dysplasia. Identifiers: Orphanet 1830, MedGen C0877024, MONDO:0009458, OMIM 242900.

Submission:

Labcorp Genetics (formerly Invitae), Labcorp
Classification: Pathogenic for Schimke immuno-osseous dysplasia. Last evaluated: 2020-09-13. Review status: criteria provided, single submitter. Criteria: Invitae Variant Classification Sherloc (09022015). Collection method: clinical testing. Allele origin: germline.
Comment: This sequence change creates a premature translational stop signal (p.Gly515Aspfs*7) in the SMARCAL1 gene. It is expected to result in an absent or disrupted protein product. This variant is not present in population databases (ExAC no frequency). This variant has not been reported in the literature in individuals with SMARCAL1-related conditions. Loss-of-function variants in SMARCAL1 are known to be pathogenic (PMID: 11799392, 20301550). For these reasons, this variant has been classified as Pathogenic.

Literature cited by the submitters: PubMed 11799392; PubMed 20301550.